The following is an entry in ClinVar:

ClinVar aggregate classification (germline): Benign/Likely benign. Review status: criteria provided, multiple submitters, no conflicts (2 of 4 stars). 3 submissions from 3 submitters: Benign (1); Likely benign (2). Last evaluated 2024-06-03.

Conditions:
Macrothrombocytopenia and granulocyte inclusions with or without nephritis or sensorineural hearing loss (MATINS). Also called: MYH9-Related Disease (MYH9-RD); BLEEDING DISORDER, PLATELET-TYPE, 6; DOHLE LEUKOCYTE INCLUSIONS WITH GIANT PLATELETS; MACROTHROMBOCYTOPENIA WITH LEUKOCYTE INCLUSIONS; SEBASTIAN PLATELET SYNDROME; MACROTHROMBOCYTOPENIA WITH DISPERSED LEUKOCYTIC INCLUSIONS. Identifiers: Orphanet 182050, MedGen C5200934, MONDO:0015912, OMIM 155100.
Autosomal dominant nonsyndromic hearing loss 17. Also called: Deafness, autosomal dominant 17; Autosomal dominant nonsyndromic deafness 17. Identifiers: Orphanet 90635, MedGen C1863659, MONDO:0011350, OMIM 603622.

Allele frequency attached by ClinVar (database versions not stated): TOPMed 0.00002; ExAC 0.00003; gnomAD exomes 0.00003.
gnomAD v4.1: 7 of 1,613,522 alleles (0.00043%); highest among the groups gnomAD compares: East Asian, 0.016%; no homozygotes.

Submissions (3):

Labcorp Genetics (formerly Invitae), Labcorp
Classification: Benign. Last evaluated: 2024-06-03. Review status: criteria provided, single submitter. Criteria: Invitae Variant Classification Sherloc (09022015). Collection method: clinical testing. Allele origin: germline.

Fulgent Genetics
Classification: Likely benign for Macrothrombocytopenia and granulocyte inclusions with or without nephritis or sensorineural hearing loss; Autosomal dominant nonsyndromic hearing loss 17. Last evaluated: 2024-03-20. Review status: criteria provided, single submitter. Criteria: ACMG Guidelines, 2015. Collection method: clinical testing. Allele origin: germline.

GeneDx
Classification: Likely benign. Last evaluated: 2018-05-15. Review status: criteria provided, single submitter. Criteria: GeneDx Variant Classification (06012015). Collection method: clinical testing. Allele origin: germline. Affected: yes.
Comment: This variant is considered likely benign or benign based on one or more of the following criteria: it is a conservative change, it occurs at a poorly conserved position in the protein, it is predicted to be benign by multiple in silico algorithms, and/or has population frequency not consistent with disease.

NM_002473.6(MYH9):c.2911G>A (p.Ala971Thr)

Genes: MYH9 (myosin heavy chain 9; minus strand), LOC126863137 (CDK7 strongly-dependent group 2 enhancer GRCh37_chr22:36696002-36697201; plus strand). Cytogenetic location: 22q12.3.
Variant type: single nucleotide variant.
Coding change: c.2911G>A on transcript NM_002473.6 (MANE Select); coding-DNA position 2911, G replaced by A.
Protein change: p.Ala971Thr; replaces alanine 971 with threonine.
Molecular consequence: missense variant.
Genome position (GRCh38, 1-based): chr22:36,300,192, C>T on the plus strand (G>A on the coding strand, the complement: MYH9 is on the minus strand). VCF-style: chr22-36300192-C-T. GRCh37 (hg19) VCF-style: chr22-36696238-C-T.
Other names: short protein forms A971T.
Identifiers: ClinVar variation 682257 (VCV000682257.5), dbSNP rs751639664, ClinGen allele CA10209818.